The following is an entry in ClinVar:

ClinVar aggregate classification (germline): Uncertain significance (1 of 4 stars; one submission).

Allele frequency attached by ClinVar (database versions not stated): TOPMed 0.00001 and below 0.00001; gnomAD 0.00001; gnomAD exomes below 0.00001.
gnomAD v4.1: 3 of 1,612,948 alleles (0.00019%); highest among the groups gnomAD compares: African/African-American, 0.0013%; no homozygotes.

Submission:

GeneDx
Classification: Uncertain significance. Last evaluated: 2016-12-15. Review status: criteria provided, single submitter. Criteria: GeneDx Variant Classification (06012015). Collection method: clinical testing. Allele origin: germline. Affected: yes.
Comment: The R773Q variant has not been published as a pathogenic variant, nor has it been reported as a benign variant to our knowledge. The R773Q variant was not observed in approximately 6500 individuals of European and African American ancestry in the NHLBI Exome Sequencing Project, indicating it is not a common benign variant in these populations. The R773Q variant is a semi-conservative amino acid substitution, which may impact secondary protein structure as these residues differ in some properties. This substitution occurs at a position that is conserved across species. In silico analysis predicts this variant is probably damaging to the protein structure/function. In summary, based on the currently available information, it is unclear whether this variant is a pathogenic variant or a rare benign variant.

NM_020442.6(VARS2):c.2228G>A (p.Arg743Gln)

Genes: VARS2 (valyl-tRNA synthetase 2, mitochondrial; plus strand), LOC126859646 (MED14-independent group 3 enhancer GRCh37_chr6:30889690-30890889; plus strand). Cytogenetic location: 6p21.33.
Variant type: single nucleotide variant.
Coding change: c.2228G>A on transcript NM_020442.6 (MANE Select); coding-DNA position 2228, G replaced by A.
Protein change: p.Arg743Gln; replaces arginine 743 with glutamine.
Molecular consequence: missense variant.
Genome position (GRCh38, 1-based): chr6:30,923,146, G>A. VCF-style: chr6-30923146-G-A. GRCh37 (hg19) VCF-style: chr6-30890923-G-A.
Other names: c.1808G>A, p.Arg603Gln (NM_001167733.3); c.2318G>A, p.Arg773Gln (NM_001167734.2); short protein forms R743Q, R773Q, R603Q.
Identifiers: ClinVar variation 373703 (VCV000373703.1), dbSNP rs1057518559, ClinGen allele CA16042546.